The following is an entry in ClinVar:

ClinVar aggregate classification (germline): Uncertain significance. Review status: criteria provided, multiple submitters, no conflicts (2 of 4 stars). 2 submissions from 2 submitters: Uncertain significance (2). Last evaluated 2026-04-29.

Conditions:
SEMA3C-related disorder. Also called: SEMA3C-related condition.

gnomAD v4.1: 167 of 1,613,868 alleles (0.01%); highest among the groups gnomAD compares: Admixed American, 0.072%; 1 homozygote.

Submissions (2):

PreventionGenetics, part of Exact Sciences
Classification: Uncertain significance for SEMA3C-related condition. Last evaluated: 2026-04-29. Review status: criteria provided, single submitter. Criteria: ACMG Guidelines, 2015. Collection method: clinical testing. Allele origin: germline.
Comment: The SEMA3C c.2066C>T variant is predicted to result in the amino acid substitution p.Thr689Met. To our knowledge, this variant has not been reported in the literature. This variant is reported in 0.057% of alleles in individuals of Latino descent in gnomAD, which may be too frequent to be a primary cause of disease. Although we suspect that this variant may be benign, at this time, the clinical significance of this variant is uncertain due to the absence of conclusive functional and genetic evidence.

Ambry Genetics
Classification: Uncertain significance. Last evaluated: 2024-08-12. Review status: criteria provided, single submitter. Criteria: Ambry Variant Classification Scheme 2023. Collection method: clinical testing. Allele origin: germline.

NM_006379.5(SEMA3C):c.2012C>T (p.Thr671Met)

Gene: SEMA3C (semaphorin 3C; minus strand). Cytogenetic location: 7q21.11.
Variant type: single nucleotide variant.
Coding change: c.2012C>T on transcript NM_006379.5 (MANE Select); coding-DNA position 2012, C replaced by T.
Protein change: p.Thr671Met; replaces threonine 671 with methionine.
Molecular consequence: missense variant.
Genome position (GRCh38, 1-based): chr7:80,745,138, G>A on the plus strand (C>T on the coding strand, the complement: SEMA3C is on the minus strand). VCF-style: chr7-80745138-G-A. GRCh37 (hg19) VCF-style: chr7-80374454-G-A.
Other names: c.2066C>T (NM_001350120.1); c.2066C>T, p.Thr689Met (NM_001350120.2); c.1838C>T, p.Thr613Met (NM_001350121.2); short protein forms T689M, T671M, T613M.
Identifiers: ClinVar variation 3439422 (VCV003439422.2).
Genomic context (GRCh38, chr7:80,745,138, plus strand): 5'-TTCGGGTGGAAGGGTAAAGCCCTCACAGAGCTGGCCCAGGTCCATGGGGACCATTTGTCC[G>A]TCACAACAGCCACCATTTCTGAATCTAAAACTTTGAAGTTGATCTTGGCTATGGTCTGCT-3'
Protein context (NP_006370.1, residues 661-681): VLDSEMVAVV[Thr671Met]DKWSPWTWAS